The following is an entry in ClinVar:

NM_000540.3(RYR1):c.6654C>T (p.Gly2218=)

Gene: RYR1 (ryanodine receptor 1; plus strand). Cytogenetic location: 19q13.2.
Variant type: single nucleotide variant.
Coding change: c.6654C>T on transcript NM_000540.3 (MANE Select); coding-DNA position 6654, C replaced by T.
Protein change: p.Gly2218=; no amino-acid change (glycine 2218 retained).
Molecular consequence: synonymous variant.
Genome position (GRCh38, 1-based): chr19:38,496,320, C>T. VCF-style: chr19-38496320-C-T. GRCh37 (hg19) VCF-style: chr19-38986960-C-T.
Other names: c.6654C>T, p.Gly2218= (NM_001042723.2).
Identifiers: ClinVar variation 284165 (VCV000284165.30), dbSNP rs149185729, ClinGen allele CA068516.

ClinVar aggregate classification (germline): Conflicting classifications of pathogenicity. Review status: criteria provided, conflicting classifications (1 of 4 stars). 11 submissions from 10 submitters: Uncertain significance (7); Likely benign (2). 2 of the submissions do not count toward it. Last evaluated 2026-09-01.

Conditions:
RYR1-related disorder. Also called: RYR1-related disorders; RYR1-related condition. Identifiers: MedGen CN239331.
Malignant hyperthermia, susceptibility to, 1 (MHS1). Also called: Malignant hyperthermia suceptibility 1; Anesthesia related hyperthermia; Malignant hyperpyrexia; Fulminating hyperpyrexia; Pharmacogenic myopathy; RYR1-Related Malignant Hyperthermia Susceptibility. Identifiers: Orphanet 423, MedGen C2930980, MONDO:0007783, OMIM 145600.
Congenital multicore myopathy with external ophthalmoplegia (CMYO1B). Also called: Congenital myopathy 1B, autosomal recessive; Minicore myopathy; MULTIMINICORE DISEASE WITH EXTERNAL OPHTHALMOPLEGIA; Minicore myopathy with external ophthalmoplegia; MULTICORE MYOPATHY. Identifiers: Orphanet 598, Orphanet 98905, MedGen C1850674, MONDO:0009712, OMIM 255320, HP:0003789.

Allele frequency attached by ClinVar (database versions not stated): ESP Exome Variant Server 0.00015; gnomAD exomes 0.00015 and 0.00025; TOPMed 0.00015; gnomAD 0.00016 and 0.00017; ExAC 0.00026.

Submissions (11):

CeGaT Center for Human Genetics Tuebingen
Classification: Uncertain significance. Last evaluated: 2026-09-01. Review status: criteria provided, single submitter. Criteria: CeGaT Center For Human Genetics Tuebingen Variant Classification Criteria Version 2. Collection method: clinical testing. Allele origin: germline. Affected: yes. Observed: 1 variant allele.
Comment: RYR1: PP3

Labcorp Genetics (formerly Invitae), Labcorp
Classification: Likely benign for RYR1-related disorder. Last evaluated: 2025-12-15. Review status: criteria provided, single submitter. Criteria: Invitae Variant Classification Sherloc (09022015). Collection method: clinical testing. Allele origin: germline.

GeneDx
Classification: Uncertain significance. Last evaluated: 2022-12-14. Review status: criteria provided, single submitter. Criteria: GeneDx Variant Classification Process June 2021. Collection method: clinical testing. Allele origin: germline. Affected: yes.
Comment: In silico analysis supports a deleterious effect on splicing; Has not been previously published as pathogenic or benign to our knowledge

Color Diagnostics, LLC DBA Color Health
Classification: Likely benign for Malignant hyperthermia, susceptibility to, 1. Last evaluated: 2022-11-18. Review status: criteria provided, single submitter. Criteria: ACMG Guidelines, 2015. Collection method: clinical testing. Allele origin: germline.

Illumina Laboratory Services, Illumina
Classification: Uncertain significance for Malignant hyperthermia, susceptibility to, 1. Last evaluated: 2018-01-12. Review status: criteria provided, single submitter. Criteria: ICSL Variant Classification Criteria 13 December 2019. Collection method: clinical testing. Allele origin: germline.

Illumina Laboratory Services, Illumina
Classification: Uncertain significance for Congenital multicore myopathy with external ophthalmoplegia. Last evaluated: 2018-01-12. Review status: criteria provided, single submitter. Criteria: ICSL Variant Classification Criteria 13 December 2019. Collection method: clinical testing. Allele origin: germline.

Genetic Services Laboratory, University of Chicago
Classification: Uncertain significance. Last evaluated: 2016-07-01. Review status: criteria provided, single submitter. Criteria: ACMG Guidelines, 2015. Collection method: clinical testing. Allele origin: germline. Affected: no.

Eurofins Ntd Llc (ga)
Classification: Uncertain significance. Last evaluated: 2015-10-27. Review status: criteria provided, single submitter. Criteria: EGL Classification Definitions 2015. Collection method: clinical testing. Allele origin: germline. Observed: 1 variant allele, 1 heterozygote.

PreventionGenetics, part of Exact Sciences
Classification: Uncertain significance. Last evaluated: 2013-10-24. Review status: criteria provided, single submitter. Criteria: ACMG Guidelines, 2015. Collection method: clinical testing. Allele origin: germline.

Clinical Genetics DNA and cytogenetics Diagnostics Lab, Erasmus MC, Erasmus Medical Center
Classification: Uncertain significance. Review status: no assertion criteria provided. Collection method: clinical testing. Allele origin: germline. Affected: yes. Study: VKGL Data-share Consensus. Not counted in ClinVar's aggregate classification.

Joint Genome Diagnostic Labs from Nijmegen and Maastricht, Radboudumc and MUMC+
Classification: Uncertain significance. Review status: no assertion criteria provided. Collection method: clinical testing. Allele origin: germline. Affected: yes. Study: VKGL Data-share Consensus. Not counted in ClinVar's aggregate classification.